The following is an entry in ClinVar:

NM_000051.4(ATM):c.3565C>G (p.Leu1189Val)

Gene: ATM (ATM serine/threonine kinase; plus strand). Cytogenetic location: 11q22.3.
Variant type: single nucleotide variant.
Coding change: c.3565C>G on transcript NM_000051.4 (MANE Select); coding-DNA position 3565, C replaced by G.
Protein change: p.Leu1189Val; replaces leucine 1189 with valine.
Molecular consequence: missense variant.
Genome position (GRCh38, 1-based): chr11:108,281,157, C>G. VCF-style: chr11-108281157-C-G. GRCh37 (hg19) VCF-style: chr11-108151884-C-G.
Other names: c.3565C>G, p.Leu1189Val (NM_001351834.2); short protein forms L1189V.
Identifiers: ClinVar variation 823935 (VCV000823935.5), dbSNP rs370602633, ClinGen allele CA6265310.
Genomic context (GRCh38, chr11:108,281,157, plus strand): 5'-GAAAAACAGGCTTTGTTTGCCCTGTGTAAATCTGTGAAAGAGAATGGATTAGAACCTCAC[C>G]TTGTGAAAAAGGTATATATGGATGAGTATTTTATTAGAAGCTTCCTTAGGTCACTGTGAA-3'
Protein context (NP_000042.3, residues 1179-1199): SVKENGLEPH[Leu1189Val]VKKVLEKVSE

ClinVar aggregate classification (germline): Uncertain significance (1 of 4 stars; one submission).

Conditions:
Hereditary cancer-predisposing syndrome. Also called: Neoplastic Syndromes, Hereditary; Tumor predisposition; Hereditary neoplastic syndrome; Hereditary Cancer Syndrome. Identifiers: Orphanet 140162, MedGen C0027672, MeSH D009386, MONDO:0015356.

gnomAD v4.1: 2 of 1,613,768 alleles (0.00012%); highest among the groups gnomAD compares: Non-Finnish European, 0.00017%; no homozygotes.

Submission:

Ambry Genetics
Classification: Uncertain significance for Hereditary cancer-predisposing syndrome. Last evaluated: 2023-09-14. Review status: criteria provided, single submitter. Criteria: Ambry Variant Classification Scheme 2023. Collection method: clinical testing. Allele origin: germline.
Comment: The p.L1189V variant (also known as c.3565C>G), located in coding exon 23 of the ATM gene, results from a C to G substitution at nucleotide position 3565. The leucine at codon 1189 is replaced by valine, an amino acid with highly similar properties. This amino acid position is highly conserved in available vertebrate species. In addition, the in silico prediction for this alteration is inconclusive. Since supporting evidence is limited at this time, the clinical significance of this alteration remains unclear.